The following is an entry in ClinVar:

NM_001040142.2(SCN2A):c.1592G>A (p.Ser531Asn)

Gene: SCN2A (sodium voltage-gated channel alpha subunit 2; plus strand). Cytogenetic location: 2q24.3.
Variant type: single nucleotide variant.
Coding change: c.1592G>A on transcript NM_001040142.2 (MANE Select); coding-DNA position 1592, G replaced by A.
Protein change: p.Ser531Asn; replaces serine 531 with asparagine.
Molecular consequence: missense variant.
Genome position (GRCh38, 1-based): chr2:165,315,679, G>A. VCF-style: chr2-165315679-G-A. GRCh37 (hg19) VCF-style: chr2-166172189-G-A.
Other names: c.1592G>A, p.Ser531Asn (NM_001040143.2, NM_001371246.1, NM_001371247.1 and 1 more transcripts); short protein forms S531N.
Identifiers: ClinVar variation 1014024 (VCV001014024.11), dbSNP rs1697706158, ClinGen allele CA349023756.
Genomic context (GRCh38, chr2:165,315,679, plus strand): 5'-AAGAACAGTCTGGAGAAGAAGAGAAAAATGACAGAGTCCGAAAATCGGAATCTGAAGACA[G>A]CATAAGAAGAAAAGGTTTCCGTTTTTCCTTGGAAGGAAGTAGGCTGACATATGAAAAGAG-3'
Protein context (NP_001035232.1, residues 521-541): DRVRKSESED[Ser531Asn]IRRKGFRFSL

ClinVar aggregate classification (germline): Uncertain significance (1 of 4 stars; one submission).

Conditions:
Seizures, benign familial infantile, 3 (BFIS3). Also called: CONVULSIONS, BENIGN FAMILIAL INFANTILE, 3; Familial neonatal seizures. Identifiers: Orphanet 140927, Orphanet 306, MedGen C1843140, MONDO:0011904, OMIM 607745.
Developmental and epileptic encephalopathy, 11 (DEE11). Also called: Early infantile epileptic encephalopathy 11. Identifiers: Orphanet 1934, MedGen C3150987, MONDO:0013388, OMIM 613721.

Submission:

Labcorp Genetics (formerly Invitae), Labcorp
Classification: Uncertain significance for Seizures, benign familial infantile, 3; Developmental and epileptic encephalopathy, 11. Last evaluated: 2020-03-26. Review status: criteria provided, single submitter. Criteria: Invitae Variant Classification Sherloc (09022015). Collection method: clinical testing. Allele origin: germline.
Comment: This variant is not present in population databases (ExAC no frequency). This sequence change replaces serine with asparagine at codon 531 of the SCN2A protein (p.Ser531Asn). The serine residue is highly conserved and there is a small physicochemical difference between serine and asparagine. This variant has not been reported in the literature in individuals with SCN2A-related conditions. Algorithms developed to predict the effect of missense changes on protein structure and function are either unavailable or do not agree on the potential impact of this missense change (SIFT: "Deleterious"; PolyPhen-2: "Possibly Damaging"; Align-GVGD: "Class C0"). In summary, the available evidence is currently insufficient to determine the role of this variant in disease. Therefore, it has been classified as a Variant of Uncertain Significance.